The following is an entry in ClinVar:

NM_182919.4(TICAM1):c.1827T>G (p.Phe609Leu)

Gene: TICAM1 (TIR domain containing adaptor molecule 1; minus strand). Cytogenetic location: 19p13.3.
Variant type: single nucleotide variant.
Coding change: c.1827T>G on transcript NM_182919.4 (MANE Select); coding-DNA position 1827, T replaced by G.
Protein change: p.Phe609Leu; replaces phenylalanine 609 with leucine.
Molecular consequence: missense variant.
Genome position (GRCh38, 1-based): chr19:4,816,551, A>C on the plus strand (T>G on the coding strand, the complement: TICAM1 is on the minus strand). VCF-style: chr19-4816551-A-C. GRCh37 (hg19) VCF-style: chr19-4816563-A-C.
Other names: c.1785T>G, p.Phe595Leu (NM_001385678.1); c.1692T>G, p.Phe564Leu (NM_001385679.1); c.1185T>G, p.Phe395Leu (NM_001385680.1); short protein forms F595L, F395L, F564L, F609L.
Identifiers: ClinVar variation 1524600 (VCV001524600.5), dbSNP rs545638589, ClinGen allele CA9105061.
Genomic context (GRCh38, chr19:4,816,551, plus strand): 5'-CTGCGGGCACCCCGGCCAAGTGGGAAAGGGTGGCGGGGCTCCCAGGGGCACCTGGCCCCC[A>C]AAGGGCATTCGAGCCCCATAGGGCGCCCCAGTCCCAAATGACATGTGGCTCCCAAAAGCC-3'
Protein context (NP_891549.1, residues 599-619): TGAPYGARMP[Phe609Leu]GGQVPLGAPP

ClinVar aggregate classification (germline): Uncertain significance (1 of 4 stars; one submission).

Conditions:
Encephalopathy, acute, infection-induced (herpes-specific), susceptibility to, 6. Also called: Herpes simplex encephalitis, susceptibility to, 4. Identifiers: Orphanet 1930, MedGen C3553869, MONDO:0013921, OMIM 614850.

Allele frequency attached by ClinVar (database versions not stated): gnomAD exomes 0.00006 and 0.00001; 1000 Genomes Project 0.00040; TOPMed 0.00002; gnomAD 0.00001 and 0.00002; ExAC 0.00007; 1000 Genomes Project 30x 0.00031.
gnomAD v4.1: 13 of 1,609,298 alleles (0.00081%); highest among the groups gnomAD compares: East Asian, 0.027%; no homozygotes.

Submission:

Labcorp Genetics (formerly Invitae), Labcorp
Classification: Uncertain significance for Encephalopathy, acute, infection-induced (herpes-specific), susceptibility to, 6. Last evaluated: 2021-12-24. Review status: criteria provided, single submitter. Criteria: Invitae Variant Classification Sherloc (09022015). Collection method: clinical testing. Allele origin: germline.
Comment: This sequence change replaces phenylalanine, which is neutral and non-polar, with leucine, which is neutral and non-polar, at codon 609 of the TICAM1 protein (p.Phe609Leu). This variant is present in population databases (rs545638589, gnomAD 0.07%). This variant has not been reported in the literature in individuals affected with TICAM1-related conditions. Algorithms developed to predict the effect of missense changes on protein structure and function output the following: SIFT: "Tolerated"; PolyPhen-2: "Benign"; Align-GVGD: "Class C0". The leucine amino acid residue is found in multiple mammalian species, which suggests that this missense change does not adversely affect protein function. In summary, the available evidence is currently insufficient to determine the role of this variant in disease. Therefore, it has been classified as a Variant of Uncertain Significance.